The following is an entry in ClinVar:

NM_004991.4(MECOM):c.2101C>T (p.Pro701Ser)

Gene: MECOM (MDS1 and EVI1 complex locus; minus strand). Cytogenetic location: 3q26.2.
Variant type: single nucleotide variant.
Coding change: c.2101C>T on transcript NM_004991.4 (MANE Select); coding-DNA position 2101, C replaced by T.
Protein change: p.Pro701Ser; replaces proline 701 with serine.
Molecular consequence: missense variant. On other transcripts: intron variant (2).
Genome position (GRCh38, 1-based): chr3:169,115,771, G>A on the plus strand (C>T on the coding strand, the complement: MECOM is on the minus strand). VCF-style: chr3-169115771-G-A. GRCh37 (hg19) VCF-style: chr3-168833559-G-A.
Other names: c.1732C>T, p.Pro578Ser (NM_001105077.4); c.1537C>T, p.Pro513Ser (NM_001105078.4, NM_001164000.2, NM_001205194.2 and 4 more transcripts); c.1540C>T, p.Pro514Ser (NM_001163999.2, NM_001366467.2, NM_001366468.2 and 1 more transcripts); c.2101C>T, p.Pro701Ser (NM_001366466.2); c.1133-4C>T (NM_001366473.2); c.569-4C>T (NM_001366474.2); short protein forms P578S, P514S, P701S, P513S.
Identifiers: ClinVar variation 4624701 (VCV004624701.1).

ClinVar aggregate classification (germline): Uncertain significance (1 of 4 stars; one submission).

Conditions:
Inborn genetic diseases. Identifiers: MedGen C0950123, MeSH D030342.

gnomAD v4.1: 1 of 1,613,996 alleles (0.000062%); highest among the groups gnomAD compares: Non-Finnish European, 0.000085%; no homozygotes.

Submission:

Ambry Genetics
Classification: Uncertain significance for Inborn genetic diseases. Last evaluated: 2025-11-22. Review status: criteria provided, single submitter. Criteria: Ambry Variant Classification Scheme 2023. Collection method: clinical testing. Allele origin: germline.
Comment: The p.P701S variant (also known as c.2101C>T), located in coding exon 8 of the MECOM gene, results from a C to T substitution at nucleotide position 2101. The proline at codon 701 is replaced by serine, an amino acid with similar properties. This amino acid position is conserved. In addition, the in silico prediction for this alteration is inconclusive. Based on the available evidence, the clinical significance of this variant remains unclear.